The following is an entry in ClinVar:

ClinVar aggregate classification (germline): Uncertain significance (1 of 4 stars; one submission).

Conditions:
Neu-Laxova syndrome 2. Identifiers: Orphanet 2671, Orphanet 583602, MedGen C4015019, MONDO:0014466, OMIM 616038.

Allele frequency attached by ClinVar (database versions not stated): gnomAD 0.00001; TOPMed 0.00002.
gnomAD v4.1: 1 of 1,612,420 alleles (0.000062%); highest among the groups gnomAD compares: African/African-American, 0.0013%; no homozygotes.

Submission:

Labcorp Genetics (formerly Invitae), Labcorp
Classification: Uncertain significance for Neu-Laxova syndrome 2. Last evaluated: 2021-12-21. Review status: criteria provided, single submitter. Criteria: Invitae Variant Classification Sherloc (09022015). Collection method: clinical testing. Allele origin: germline.
Comment: In summary, the available evidence is currently insufficient to determine the role of this variant in disease. Therefore, it has been classified as a Variant of Uncertain Significance. Algorithms developed to predict the effect of sequence changes on RNA splicing suggest that this variant may create or strengthen a splice site. Algorithms developed to predict the effect of missense changes on protein structure and function (SIFT, PolyPhen-2, Align-GVGD) all suggest that this variant is likely to be tolerated. This variant has not been reported in the literature in individuals affected with PSAT1-related conditions. This variant is not present in population databases (gnomAD no frequency). This sequence change replaces leucine, which is neutral and non-polar, with valine, which is neutral and non-polar, at codon 128 of the PSAT1 protein (p.Leu128Val).

NM_058179.4(PSAT1):c.382C>G (p.Leu128Val)

Gene: PSAT1 (phosphoserine aminotransferase 1; plus strand). Cytogenetic location: 9q21.2.
Variant type: single nucleotide variant.
Coding change: c.382C>G on transcript NM_058179.4 (MANE Select); coding-DNA position 382, C replaced by G.
Protein change: p.Leu128Val; replaces leucine 128 with valine.
Molecular consequence: missense variant.
Genome position (GRCh38, 1-based): chr9:78,304,925, C>G. VCF-style: chr9-78304925-C-G. GRCh37 (hg19) VCF-style: chr9-80919841-C-G.
Other names: c.382C>G, p.Leu128Val (NM_021154.5); short protein forms L128V.
Identifiers: ClinVar variation 2051925 (VCV002051925.4), dbSNP rs763223623, ClinGen allele CA373872556.